The following is an entry in ClinVar:

NM_001369268.1(ACAN):c.6833-19T>A

Gene: ACAN (aggrecan; plus strand). Cytogenetic location: 15q26.1.
Variant type: single nucleotide variant.
Coding change: c.6833-19T>A on transcript NM_001369268.1 (MANE Select); 19 bases into the intron before coding-DNA position 6833, T replaced by A.
Molecular consequence: intron variant.
Genome position (GRCh38, 1-based): chr15:88,860,307, T>A. VCF-style: chr15-88860307-T-A. GRCh37 (hg19) VCF-style: chr15-89403538-T-A.
Other names: c.6833-19T>A (NM_013227.4); c.6832+890T>A (NM_001411097.1, NM_001411096.1, NM_001135.4).
Identifiers: ClinVar variation 2961264 (VCV002961264.3), dbSNP rs777672192, ClinGen allele CA7720502.

ClinVar aggregate classification (germline): Uncertain significance (1 of 4 stars; one submission).

Allele frequency attached by ClinVar (database versions not stated): ExAC 0.00012; gnomAD 0.00001; gnomAD exomes 0.00009.
gnomAD v4.1: 127 of 1,573,048 alleles (0.0081%); highest among the groups gnomAD compares: Non-Finnish European, 0.01%; no homozygotes.

Submission:

Labcorp Genetics (formerly Invitae), Labcorp
Classification: Uncertain significance. Last evaluated: 2025-04-23. Review status: criteria provided, single submitter. Criteria: Invitae Variant Classification Sherloc (09022015). Collection method: clinical testing. Allele origin: germline.
Comment: This sequence change falls in intron 12 of the ACAN gene. It does not directly change the encoded amino acid sequence of the ACAN protein. This variant is present in population databases (rs777672192, gnomAD 0.008%). This variant has not been reported in the literature in individuals affected with ACAN-related conditions. ClinVar contains an entry for this variant (Variation ID: 2961264). Algorithms developed to predict the effect of sequence changes on RNA splicing suggest that this variant may disrupt the consensus splice site. In summary, the available evidence is currently insufficient to determine the role of this variant in disease. Therefore, it has been classified as a Variant of Uncertain Significance.